The following is an entry in ClinVar:

NM_014000.3(VCL):c.1744-10T>G

Gene: VCL (vinculin; plus strand). Cytogenetic location: 10q22.2.
Variant type: single nucleotide variant.
Coding change: c.1744-10T>G on transcript NM_014000.3 (MANE Select); 10 bases into the intron before coding-DNA position 1744, T replaced by G.
Molecular consequence: intron variant.
Genome position (GRCh38, 1-based): chr10:74,097,194, T>G. VCF-style: chr10-74097194-T-G. GRCh37 (hg19) VCF-style: chr10-75856952-T-G.
Other names: c.1744-10T>G (NM_003373.4).
Identifiers: ClinVar variation 1920303 (VCV001920303.5), dbSNP rs2549227554, ClinGen allele CA2580082044.

ClinVar aggregate classification (germline): Uncertain significance (1 of 4 stars; one submission).

Conditions:
Dilated cardiomyopathy 1W (CMD1W). Identifiers: Orphanet 154, MedGen C1969639, MONDO:0012667, OMIM 611407.

Submission:

Labcorp Genetics (formerly Invitae), Labcorp
Classification: Uncertain significance for Dilated cardiomyopathy 1W. Last evaluated: 2022-03-29. Review status: criteria provided, single submitter. Criteria: Invitae Variant Classification Sherloc (09022015). Collection method: clinical testing. Allele origin: germline.
Comment: In summary, the available evidence is currently insufficient to determine the role of this variant in disease. Therefore, it has been classified as a Variant of Uncertain Significance. Algorithms developed to predict the effect of sequence changes on RNA splicing suggest that this variant may disrupt the consensus splice site. This variant has not been reported in the literature in individuals affected with VCL-related conditions. This variant is not present in population databases (gnomAD no frequency). This sequence change falls in intron 12 of the VCL gene. It does not directly change the encoded amino acid sequence of the VCL protein.